The following is an entry in ClinVar:

ClinVar aggregate classification (germline): Pathogenic. Review status: reviewed by expert panel (3 of 4 stars). 4 submissions from 4 submitters: Pathogenic (1). 3 of the submissions do not count toward it. Last evaluated 2016-10-18.

Conditions:
Hereditary breast ovarian cancer syndrome. Also called: Hereditary breast and ovarian cancer syndrome; Hereditary breast and ovarian cancer; Hereditary breast and ovarian cancer syndrome (HBOC); Breast and ovarian cancer; Hereditary breast and/or ovarian cancer syndrome; BRCA1- and BRCA2-Associated Hereditary Breast and Ovarian Cancer. Identifiers: Orphanet 145, MedGen C0677776, MeSH D061325, MONDO:0003582. Disease mechanism: loss of function.
Breast-ovarian cancer, familial, susceptibility to, 2 (BROVCA2). Also called: BRCA2 Hereditary Breast and Ovarian Cancer. Identifiers: Orphanet 145, MedGen C2675520, MONDO:0012933, OMIM 612555. Disease mechanism: loss of function.
Hereditary cancer-predisposing syndrome. Also called: Neoplastic Syndromes, Hereditary; Tumor predisposition; Hereditary Cancer Syndrome; Hereditary neoplastic syndrome. Identifiers: Orphanet 140162, MedGen C0027672, MeSH D009386, MONDO:0015356.

Submissions (4):

Evidence-based Network for the Interpretation of Germline Mutant Alleles (ENIGMA)
Classification: Pathogenic for Breast-ovarian cancer, familial, susceptibility to, 2. Last evaluated: 2016-10-18. Review status: reviewed by expert panel. Criteria: ENIGMA BRCA1/2 Classification Criteria (2015). Collection method: curation. Allele origin: germline.
Comment: Variant allele predicted to encode a truncated non-functional protein.

Ambry Genetics
Classification: Pathogenic for Hereditary cancer-predisposing syndrome. Last evaluated: 2024-12-09. Review status: criteria provided, single submitter. Criteria: Ambry Variant Classification Scheme 2023. Collection method: clinical testing. Allele origin: germline. Not counted in ClinVar's aggregate classification.
Comment: The c.3018delA pathogenic mutation, located in coding exon 10 of the BRCA2 gene, results from a deletion of one nucleotide at nucleotide position 3018, causing a translational frameshift with a predicted alternate stop codon (p.G1006Gfs*37). This alteration was identified in an individual diagnosed with breast cancer (Jang, JH et al. J Hum Genet. 2012 Mar;57(3):212-5). In addition to the clinical data presented in the literature, this alteration is expected to result in loss of function by premature protein truncation or nonsense-mediated mRNA decay. As such, this alteration is interpreted as a disease-causing mutation.

Labcorp Genetics (formerly Invitae), Labcorp
Classification: Pathogenic for Hereditary breast ovarian cancer syndrome. Last evaluated: 2024-09-19. Review status: criteria provided, single submitter. Criteria: Invitae Variant Classification Sherloc (09022015). Collection method: clinical testing. Allele origin: germline. Not counted in ClinVar's aggregate classification.
Comment: This sequence change creates a premature translational stop signal (p.Gly1007Valfs*36) in the BRCA2 gene. It is expected to result in an absent or disrupted protein product. Loss-of-function variants in BRCA2 are known to be pathogenic (PMID: 20104584). This variant is not present in population databases (gnomAD no frequency). This premature translational stop signal has been observed in individual(s) with hereditary breast and ovarian cancer (PMID: 30350268, 34645131). ClinVar contains an entry for this variant (Variation ID: 51387). For these reasons, this variant has been classified as Pathogenic.

Consortium of Investigators of Modifiers of BRCA1/2 (CIMBA), c/o University of Cambridge
Classification: Pathogenic for Breast-ovarian cancer, familial, susceptibility to, 2. Last evaluated: 2015-10-02. Review status: criteria provided, single submitter. Criteria: CIMBA Mutation Classification guidelines May 2016. Collection method: clinical testing. Allele origin: germline. Not counted in ClinVar's aggregate classification.

Literature cited by the submitters: PubMed 20104584 (cited by Labcorp Genetics (formerly Invitae), Labcorp); PubMed 30350268 (cited by Labcorp Genetics (formerly Invitae), Labcorp); PubMed 34645131 (cited by Labcorp Genetics (formerly Invitae), Labcorp).

NM_000059.4(BRCA2):c.3018del (p.Gly1007fs)

Gene: BRCA2 (BRCA2 DNA repair associated; plus strand). Cytogenetic location: 13q13.1.
Variant type: Deletion.
Coding change: c.3018del on transcript NM_000059.4 (MANE Select); coding-DNA position 3018, one base deleted (A; older notation c.3018delA).
Protein change: p.Gly1007fs; shifts the reading frame from glycine 1007.
Molecular consequence: frameshift variant.
Genome position (GRCh38, 1-based): chr13:32,337,373, A deleted. VCF-style (leftmost placement, unchanged base first): chr13-32337372-GA-G. GRCh37 (hg19) VCF-style: chr13-32911509-GA-G.
Other names: 3246delA; c.3018delA (NM_000059.3).
Identifiers: ClinVar variation 51387 (VCV000051387.14), dbSNP rs397507651, ClinGen allele CA017059.
Genomic context (GRCh38, chr13:32,337,372, plus strand): 5'-ATAATGATTACATGAACAAATGGGCAGGACTCTTAGGTCCAATTTCAAATCACAGTTTTG[GA>G]GGTAGCTTCAGAACAGCTTCAAATAAGGAAATCAAGCTCTCTGAACATAACATTAAGAAG-3'